The following is an entry in ClinVar:

NM_199420.4(POLQ):c.5938A>G (p.Ile1980Val)

Gene: POLQ (DNA polymerase theta; minus strand). Cytogenetic location: 3q13.33.
Variant type: single nucleotide variant.
Coding change: c.5938A>G on transcript NM_199420.4 (MANE Select); coding-DNA position 5938, A replaced by G.
Protein change: p.Ile1980Val; replaces isoleucine 1980 with valine.
Molecular consequence: missense variant.
Genome position (GRCh38, 1-based): chr3:121,483,418, T>C on the plus strand (A>G on the coding strand, the complement: POLQ is on the minus strand). VCF-style: chr3-121483418-T-C. GRCh37 (hg19) VCF-style: chr3-121202265-T-C.
Other names: short protein forms I1980V.
Identifiers: ClinVar variation 1750601 (VCV001750601.2), dbSNP rs2546781613, ClinGen allele CA354088463.

ClinVar aggregate classification (germline): Uncertain significance (1 of 4 stars; one submission).

Submission:

Ambry Genetics
Classification: Uncertain significance. Last evaluated: 2022-04-27. Review status: criteria provided, single submitter. Criteria: Ambry Variant Classification Scheme 2023. Collection method: clinical testing. Allele origin: germline.
Comment: The p.I1980V variant (also known as c.5938A>G), located in coding exon 18 of the POLQ gene, results from an A to G substitution at nucleotide position 5938. The isoleucine at codon 1980 is replaced by valine, an amino acid with highly similar properties. This amino acid position is conserved. In addition, this alteration is predicted to be tolerated by in silico analysis. Since supporting evidence is limited at this time, the clinical significance of this alteration remains unclear.